The following is an entry in ClinVar:

ClinVar aggregate classification (germline): Uncertain significance (1 of 4 stars; one submission).

Submission:

GeneDx
Classification: Uncertain significance. Last evaluated: 2023-02-03. Review status: criteria provided, single submitter. Criteria: GeneDx Variant Classification Process June 2021. Collection method: clinical testing. Allele origin: germline. Affected: yes.
Comment: Has not been previously published as pathogenic or benign to our knowledge; Not observed at significant frequency in large population cohorts (gnomAD); In silico analysis supports that this missense variant does not alter protein structure/function

NM_000359.3(TGM1):c.1088T>C (p.Leu363Pro)

Gene: TGM1 (transglutaminase 1; minus strand). Cytogenetic location: 14q12.
Variant type: single nucleotide variant.
Coding change: c.1088T>C on transcript NM_000359.3 (MANE Select); coding-DNA position 1088, T replaced by C.
Protein change: p.Leu363Pro; replaces leucine 363 with proline.
Molecular consequence: missense variant.
Genome position (GRCh38, 1-based): chr14:24,259,146, A>G on the plus strand (T>C on the coding strand, the complement: TGM1 is on the minus strand). VCF-style: chr14-24259146-A-G. GRCh37 (hg19) VCF-style: chr14-24728352-A-G.
Other names: short protein forms L363P.
Identifiers: ClinVar variation 2428896 (VCV002428896.3), dbSNP rs2502501745, ClinGen allele CA389264342.